The following is an entry in ClinVar:

ClinVar aggregate classification (germline): Uncertain significance. Review status: criteria provided, multiple submitters, no conflicts (2 of 4 stars). 6 submissions from 6 submitters: Uncertain significance (5). 1 of the submissions does not count toward it. Last evaluated 2025-12-11.

Conditions:
Inborn genetic diseases. Identifiers: MedGen C0950123, MeSH D030342.
Pitt-Hopkins-like syndrome 2 (PTHSL2). Identifiers: Orphanet 221150, Orphanet 600663, MedGen C3280479, MONDO:0013690, OMIM 614325.
NRXN1-related disorder.

Allele frequency attached by ClinVar (database versions not stated): gnomAD exomes 0.00003; ExAC 0.00008; gnomAD 0.00012; TOPMed 0.00013; 1000 Genomes Project 30x 0.00016; ESP Exome Variant Server 0.00019; 1000 Genomes Project 0.00020.
gnomAD v4.1: 30 of 1,602,198 alleles (0.0019%); highest among the groups gnomAD compares: Middle Eastern, 0.066%; no homozygotes.

Submissions (6):

Labcorp Genetics (formerly Invitae), Labcorp
Classification: Uncertain significance for Pitt-Hopkins-like syndrome 2. Last evaluated: 2025-12-11. Review status: criteria provided, single submitter. Criteria: Invitae Variant Classification Sherloc (09022015). Collection method: clinical testing. Allele origin: germline.
Comment: This sequence change replaces glutamine, which is neutral and polar, with lysine, which is basic and polar, at codon 264 of the NRXN1 protein (p.Gln264Lys). This variant is present in population databases (rs367919055, gnomAD 0.04%). This variant has not been reported in the literature in individuals affected with NRXN1-related conditions. ClinVar contains an entry for this variant (Variation ID: 129817). Invitae Evidence Modeling of protein sequence and biophysical properties (such as structural, functional, and spatial information, amino acid conservation, physicochemical variation, residue mobility, and thermodynamic stability) indicates that this missense variant is not expected to disrupt NRXN1 protein function with a negative predictive value of 80%. Algorithms developed to predict the effect of sequence changes on RNA splicing suggest that this variant may disrupt the consensus splice site. In summary, the available evidence is currently insufficient to determine the role of this variant in disease. Therefore, it has been classified as a Variant of Uncertain Significance.

Ambry Genetics
Classification: Uncertain significance for Inborn genetic diseases. Last evaluated: 2021-08-17. Review status: criteria provided, single submitter. Criteria: Ambry Variant Classification Scheme 2023. Collection method: clinical testing. Allele origin: germline.

Mayo Clinic Laboratories, Mayo Clinic
Classification: Uncertain significance. Last evaluated: 2019-04-22. Review status: criteria provided, single submitter. Criteria: ACMG Guidelines, 2015. Collection method: clinical testing. Allele origin: germline. Observed: 1 variant allele.

GeneDx
Classification: Uncertain significance. Last evaluated: 2015-09-02. Review status: criteria provided, single submitter. Criteria: GeneDx Variant Classification (06012015). Collection method: clinical testing. Allele origin: germline. Affected: yes.
Comment: The Q264K variant has not been published as a mutation, nor has it been reported as a benign polymorphism to our knowledge. It was not observed with any significant frequency in approximately 5,200 individuals of European and African American ancestry in the NHLBI Exome Sequencing Project. This substitution occurs at a position that is not conserved across species. In silico analysis predicts this variant likely does not alter the protein structure/function. However, the Q264K variant is a semi-conservative amino acid substitution, which may impact secondary protein structure as these residues differ in some properties. Therefore, based on the currently available information, it is unclear whether this variant is a pathogenic mutation or a rare benign variant. The variant is found in EPILEPSY panel(s).

Genetic Services Laboratory, University of Chicago
Classification: Uncertain significance. Last evaluated: 2012-11-19. Review status: criteria provided, single submitter. Criteria: ACMG Guidelines, 2007. Collection method: clinical testing. Allele origin: germline. Inheritance: Autosomal recessive inheritance.

PreventionGenetics, part of Exact Sciences
Classification: Uncertain significance for NRXN1-related condition. Last evaluated: 2024-04-04. Review status: no assertion criteria provided. Collection method: clinical testing. Allele origin: germline. Not counted in ClinVar's aggregate classification.
Comment: The NRXN1 c.790C>A variant is predicted to result in the amino acid substitution p.Gln264Lys. To our knowledge, this variant has not been reported in the literature. This variant is reported in 0.039% of alleles in individuals of African descent in gnomAD. At this time, the clinical significance of this variant is uncertain due to the absence of conclusive functional and genetic evidence.

NM_001330078.2(NRXN1):c.772+1050C>A

Gene: NRXN1 (neurexin 1; minus strand). Cytogenetic location: 2p16.3.
Variant type: single nucleotide variant.
Coding change: c.772+1050C>A on transcript NM_001330078.2 (MANE Select); 1050 bases into the intron after coding-DNA position 772, C replaced by A.
Molecular consequence: intron variant. On other transcripts: missense variant (1).
Genome position (GRCh38, 1-based): chr2:51,026,452, G>T on the plus strand (C>A on the coding strand, the complement: NRXN1 is on the minus strand). VCF-style: chr2-51026452-G-T. GRCh37 (hg19) VCF-style: chr2-51253590-G-T.
Other names: p.Q264K:CAG>AAG; c.790C>A, p.Gln264Lys (NM_001135659.3); c.772+1050C>A (NM_001330096.2, NM_001330087.2, NM_001330083.2 and 14 more transcripts); short protein forms Q264K.
Identifiers: ClinVar variation 129817 (VCV000129817.27), dbSNP rs367919055, ClinGen allele CA231337.
Genomic context (GRCh38, chr2:51,026,452, plus strand): 5'-TATTTATACAACAGTATTTTCCTTGGTCATTGTCATGTAACAGCACCGGCAAAACACACT[G>T]AAGACCGAATTTTATTTCTAAAGAGGAGAAAAGAGAACTTAGGTATGACTTTTGTAGTTT-3'